The following is an entry in ClinVar:

NM_001684.5(ATP2B4):c.998A>G (p.Asp333Gly)

Gene: ATP2B4 (ATPase plasma membrane Ca2+ transporting 4; plus strand). Cytogenetic location: 1q32.1.
Variant type: single nucleotide variant.
Coding change: c.998A>G on transcript NM_001684.5 (MANE Select); coding-DNA position 998, A replaced by G.
Protein change: p.Asp333Gly; replaces aspartic acid 333 with glycine.
Molecular consequence: missense variant.
Genome position (GRCh38, 1-based): chr1:203,703,712, A>G. VCF-style: chr1-203703712-A-G. GRCh37 (hg19) VCF-style: chr1-203672840-A-G.
Other names: c.998A>G, p.Asp333Gly (NM_001001396.3, NM_001365783.2, NM_001365784.2); short protein forms D333G.
Identifiers: ClinVar variation 3328842 (VCV003328842.2).
Genomic context (GRCh38, chr1:203,703,712, plus strand): 5'-CAAAGACCCAAGACGGAGTGGCCCTGGAAATCCAGCCACTCAACAGCCAGGAGGGAATCG[A>G]CAATGAGGAAAAGGACAAGAAGGCAGTCAAGGTGCCTAAAAAGGAGAAGTCAGTGCTGCA-3'
Protein context (NP_001675.3, residues 323-343): IQPLNSQEGI[Asp333Gly]NEEKDKKAVK

ClinVar aggregate classification (germline): Uncertain significance. Review status: criteria provided, multiple submitters, no conflicts (2 of 4 stars). 2 submissions from 2 submitters: Uncertain significance (2). Last evaluated 2025-09-25.

gnomAD v4.1: 8 of 1,614,192 alleles (0.0005%); highest among the groups gnomAD compares: Admixed American, 0.012%; no homozygotes.

Submissions (2):

Labcorp Genetics (formerly Invitae), Labcorp
Classification: Uncertain significance. Last evaluated: 2025-09-25. Review status: criteria provided, single submitter. Criteria: Invitae Variant Classification Sherloc (09022015). Collection method: clinical testing. Allele origin: germline.
Comment: This sequence change replaces aspartic acid, which is acidic and polar, with glycine, which is neutral and non-polar, at codon 333 of the ATP2B4 protein (p.Asp333Gly). This variant is present in population databases (rs554381106, gnomAD 0.003%). This variant has not been reported in the literature in individuals affected with ATP2B4-related conditions. ClinVar contains an entry for this variant (Variation ID: 3328842). Invitae Evidence Modeling of protein sequence and biophysical properties (such as structural, functional, and spatial information, amino acid conservation, physicochemical variation, residue mobility, and thermodynamic stability) indicates that this missense variant is not expected to disrupt ATP2B4 protein function with a negative predictive value of 80%. In summary, the available evidence is currently insufficient to determine the role of this variant in disease. Therefore, it has been classified as a Variant of Uncertain Significance.

Ambry Genetics
Classification: Uncertain significance. Last evaluated: 2024-05-14. Review status: criteria provided, single submitter. Criteria: Ambry Variant Classification Scheme 2023. Collection method: clinical testing. Allele origin: germline.